The following is an entry in ClinVar:

ClinVar aggregate classification (germline): Uncertain significance (1 of 4 stars; one submission).

gnomAD v4.1: 1 of 1,613,886 alleles (0.000062%); highest among the groups gnomAD compares: Non-Finnish European, 0.000085%; no homozygotes.

Submission:

GeneDx
Classification: Uncertain significance. Last evaluated: 2023-10-20. Review status: criteria provided, single submitter. Criteria: GeneDx Variant Classification Process June 2021. Collection method: clinical testing. Allele origin: germline. Affected: yes.
Comment: Not observed at significant frequency in large population cohorts (gnomAD); In silico analysis supports that this missense variant has a deleterious effect on protein structure/function; Has not been previously published as pathogenic or benign to our knowledge

NM_033004.4(NLRP1):c.2645C>G (p.Ala882Gly)

Gene: NLRP1 (NLR family pyrin domain containing 1; minus strand). Cytogenetic location: 17p13.2.
Variant type: single nucleotide variant.
Coding change: c.2645C>G on transcript NM_033004.4 (MANE Select); coding-DNA position 2645, C replaced by G.
Protein change: p.Ala882Gly; replaces alanine 882 with glycine.
Molecular consequence: missense variant.
Genome position (GRCh38, 1-based): chr17:5,541,911, G>C on the plus strand (C>G on the coding strand, the complement: NLRP1 is on the minus strand). VCF-style: chr17-5541911-G-C. GRCh37 (hg19) VCF-style: chr17-5445231-G-C.
Other names: c.2645C>G, p.Ala882Gly (NM_001033053.3, NM_014922.5, NM_033006.4 and 1 more transcripts); short protein forms A882G.
Identifiers: ClinVar variation 3366141 (VCV003366141.1).